The following is an entry in ClinVar:

NM_000203.5(IDUA):c.1191T>G (p.Asp397Glu)

Gene: IDUA (alpha-L-iduronidase; plus strand). Cytogenetic location: 4p16.3.
Variant type: single nucleotide variant.
Coding change: c.1191T>G on transcript NM_000203.5 (MANE Select); coding-DNA position 1191, T replaced by G.
Protein change: p.Asp397Glu; replaces aspartic acid 397 with glutamic acid.
Molecular consequence: missense variant. On other transcripts: non-coding transcript variant (1).
Genome position (GRCh38, 1-based): chr4:1,002,733, T>G. VCF-style: chr4-1002733-T-G. GRCh37 (hg19) VCF-style: chr4-996521-T-G.
Other names: c.1191T>G (NM_000203.3); c.795T>G, p.Asp265Glu (NM_001363576.1); short protein forms D265E, D397E.
Identifiers: ClinVar variation 968173 (VCV000968173.9), dbSNP rs1462850727, ClinGen allele CA355963518.

ClinVar aggregate classification (germline): Uncertain significance. Review status: criteria provided, multiple submitters, no conflicts (2 of 4 stars). 3 submissions from 3 submitters: Uncertain significance (2). 1 of the submissions does not count toward it. Last evaluated 2025-09-21.

Conditions:
Mucopolysaccharidosis type 1. Also called: IDUA deficiency; MPS I. Identifiers: Orphanet 579, MedGen C0023786, MONDO:0001586.
Inborn genetic diseases. Identifiers: MedGen C0950123, MeSH D030342.

Allele frequency attached by ClinVar (database versions not stated): gnomAD 0.00016; TOPMed 0.00017.

Submissions (3):

Ambry Genetics
Classification: Uncertain significance for Inborn genetic diseases. Last evaluated: 2025-09-21. Review status: criteria provided, single submitter. Criteria: Ambry Variant Classification Scheme 2023. Collection method: clinical testing. Allele origin: germline.

Labcorp Genetics (formerly Invitae), Labcorp
Classification: Uncertain significance for Mucopolysaccharidosis type 1. Last evaluated: 2024-07-25. Review status: criteria provided, single submitter. Criteria: Invitae Variant Classification Sherloc (09022015). Collection method: clinical testing. Allele origin: germline.
Comment: This sequence change replaces aspartic acid, which is acidic and polar, with glutamic acid, which is acidic and polar, at codon 397 of the IDUA protein (p.Asp397Glu). This variant is present in population databases (no rsID available, gnomAD 0.02%). This variant has not been reported in the literature in individuals affected with IDUA-related conditions. ClinVar contains an entry for this variant (Variation ID: 968173). An algorithm developed to predict the effect of missense changes on protein structure and function (PolyPhen-2) suggests that this variant is likely to be disruptive. In summary, the available evidence is currently insufficient to determine the role of this variant in disease. Therefore, it has been classified as a Variant of Uncertain Significance.

Natera, Inc.
Classification: Uncertain significance for Mucopolysaccharidosis type I. Last evaluated: 2020-01-17. Review status: no assertion criteria provided. Collection method: clinical testing. Allele origin: germline. Not counted in ClinVar's aggregate classification.